The following is an entry in ClinVar:

NM_002764.4(PRPS1):c.69G>A (p.Leu23=)

Gene: PRPS1 (phosphoribosyl pyrophosphate synthetase 1; plus strand). Cytogenetic location: Xq22.3.
Variant type: single nucleotide variant.
Coding change: c.69G>A on transcript NM_002764.4 (MANE Select); coding-DNA position 69, G replaced by A.
Protein change: p.Leu23=; no amino-acid change (leucine 23 retained).
Molecular consequence: synonymous variant. On other transcripts: 5 prime UTR variant (1).
Genome position (GRCh38, 1-based): chrX:107,628,697, G>A. VCF-style: chrX-107628697-G-A. GRCh37 (hg19) VCF-style: chrX-106871927-G-A.
Other names: c.69G>A (NM_002764.3); c.-136G>A (NM_001204402.2).
Identifiers: ClinVar variation 1001412 (VCV001001412.9), dbSNP rs1925240689, ClinGen allele CA517920596.
Genomic context (GRCh38, chrX:107,628,697, plus strand): 5'-TATCAAAATCTTCAGCGGCAGCTCCCACCAGGACTTATCTCAGAAAATTGCTGACCGCCT[G>A]GGCCTGGAGCTAGGCAAGGTGGTGACTAAGAAATTCAGCAACCAGGAGACCTGGTAAGGA-3'
Protein context (NP_002755.1, residues 13-33): QDLSQKIADR[Leu23=]GLELGKVVTK

ClinVar aggregate classification (germline): Likely benign. Review status: criteria provided, multiple submitters, no conflicts (2 of 4 stars). 2 submissions from 2 submitters: Likely benign (2). Last evaluated 2026-06-20.

Conditions:
PRPS1-related disorder. Also called: PRPS1-related condition.
Charcot-Marie-Tooth Neuropathy X. Identifiers: MedGen CN118851.

Submissions (2):

PreventionGenetics, part of Exact Sciences
Classification: Likely benign for PRPS1-related condition. Last evaluated: 2026-06-20. Review status: criteria provided, single submitter. Criteria: ACMG Guidelines, 2015. Collection method: clinical testing. Allele origin: germline.
Comment: This variant is classified as likely benign based on ACMG/AMP sequence variant interpretation guidelines (Richards et al. 2015 PMID: 25741868, with internal and published modifications).

Labcorp Genetics (formerly Invitae), Labcorp
Classification: Likely benign for Charcot-Marie-Tooth Neuropathy X. Last evaluated: 2023-07-16. Review status: criteria provided, single submitter. Criteria: Invitae Variant Classification Sherloc (09022015). Collection method: clinical testing. Allele origin: germline.